The following is an entry in ClinVar:

ClinVar aggregate classification (germline): Likely pathogenic (1 of 4 stars; one submission).

Conditions:
Epidermolysis bullosa dystrophica. Also called: Dystrophic epidermolysis bullosa, Hallopeau-Siemens type (formerly); Dystrophic epidermolysis bullosa. Identifiers: Orphanet 303, MedGen C0079294, MONDO:0006543.

Submission:

Natera, Inc.
Classification: Likely pathogenic for Dystrophic epidermolysis bullosa. Last evaluated: 2026-01-10. Review status: criteria provided, single submitter. Criteria: Natera Variant Classification Schema (03/2026). Collection method: clinical testing. Allele origin: germline.
Comment: The c.8627G>T variant in COL7A1 is a missense variant predicted to cause substitution of cysteine to phenylalanine at amino acid 2876. This variant is rare in the general population with a frequency below the threshold expected for the associated phenotype(s). This variant has been observed in one or more individuals affected with the associated recessive disease, as either homozygous or compound heterozygous with a second variant (PMID: 34046686, 32484238, 16189623). Computational prediction algorithms indicate this variant is likely to affect gene or protein function. Given the available evidence, this variant is classified as Likely Pathogenic.

Literature cited by the submitters: PubMed 34046686; PubMed 32484238; PubMed 16189623.

NM_000094.4(COL7A1):c.8627G>T (p.Cys2876Phe)

Gene: COL7A1 (collagen type VII alpha 1 chain; minus strand). Cytogenetic location: 3p21.31.
Variant type: single nucleotide variant.
Coding change: c.8627G>T on transcript NM_000094.4 (MANE Select); coding-DNA position 8627, G replaced by T.
Protein change: p.Cys2876Phe; replaces cysteine 2876 with phenylalanine.
Molecular consequence: missense variant.
Genome position (GRCh38, 1-based): chr3:48,564,974, C>A on the plus strand (G>T on the coding strand, the complement: COL7A1 is on the minus strand). VCF-style: chr3-48564974-C-A. GRCh37 (hg19) VCF-style: chr3-48602407-C-A.
Other names: short protein forms C2876F.
Identifiers: ClinVar variation 4817410 (VCV004817410.1).